The following is an entry in ClinVar:

NM_012281.3(KCND2):c.1587C>G (p.Cys529Trp)

Gene: KCND2 (potassium voltage-gated channel subfamily D member 2; plus strand). Cytogenetic location: 7q31.31.
Variant type: single nucleotide variant.
Coding change: c.1587C>G on transcript NM_012281.3 (MANE Select); coding-DNA position 1587, C replaced by G.
Protein change: p.Cys529Trp; replaces cysteine 529 with tryptophan.
Molecular consequence: missense variant.
Genome position (GRCh38, 1-based): chr7:120,745,899, C>G. VCF-style: chr7-120745899-C-G. GRCh37 (hg19) VCF-style: chr7-120385953-C-G.
Other names: short protein forms C529W.
Identifiers: ClinVar variation 1516598 (VCV001516598.8), dbSNP rs780179079, ClinGen allele CA4453718.

ClinVar aggregate classification (germline): Uncertain significance (1 of 4 stars; one submission).

Conditions:
Early Myoclonic Encephalopathy. Identifiers: MedGen C0270855.

Allele frequency attached by ClinVar (database versions not stated): gnomAD exomes 0.00001 and below 0.00001; ExAC 0.00001.
gnomAD v4.1: 9 of 1,613,882 alleles (0.00056%); highest among the groups gnomAD compares: Non-Finnish European, 0.00076%; no homozygotes.

Submission:

Labcorp Genetics (formerly Invitae), Labcorp
Classification: Uncertain significance for Early Myoclonic Encephalopathy. Last evaluated: 2024-12-24. Review status: criteria provided, single submitter. Criteria: Invitae Variant Classification Sherloc (09022015). Collection method: clinical testing. Allele origin: germline.
Comment: This sequence change replaces cysteine, which is neutral and slightly polar, with tryptophan, which is neutral and slightly polar, at codon 529 of the KCND2 protein (p.Cys529Trp). This variant is present in population databases (rs780179079, gnomAD 0.0009%). This variant has not been reported in the literature in individuals affected with KCND2-related conditions. ClinVar contains an entry for this variant (Variation ID: 1516598). Invitae Evidence Modeling of protein sequence and biophysical properties (such as structural, functional, and spatial information, amino acid conservation, physicochemical variation, residue mobility, and thermodynamic stability) indicates that this missense variant is expected to disrupt KCND2 protein function with a positive predictive value of 95%. In summary, the available evidence is currently insufficient to determine the role of this variant in disease. Therefore, it has been classified as a Variant of Uncertain Significance.